The following is an entry in ClinVar:

NM_199355.4(ADAMTS18):c.2703G>C (p.Leu901Phe)

Gene: ADAMTS18 (ADAM metallopeptidase with thrombospondin type 1 motif 18; minus strand). Cytogenetic location: 16q23.1.
Variant type: single nucleotide variant.
Coding change: c.2703G>C on transcript NM_199355.4 (MANE Select); coding-DNA position 2703, G replaced by C.
Protein change: p.Leu901Phe; replaces leucine 901 with phenylalanine.
Molecular consequence: missense variant.
Genome position (GRCh38, 1-based): chr16:77,297,387, C>G on the plus strand (G>C on the coding strand, the complement: ADAMTS18 is on the minus strand). VCF-style: chr16-77297387-C-G. GRCh37 (hg19) VCF-style: chr16-77331284-C-G.
Other names: c.2187G>C, p.Leu729Phe (NM_001326358.2); short protein forms L901F, L729F.
Identifiers: ClinVar variation 1506658 (VCV001506658.7), dbSNP rs560006721, ClinGen allele CA8180777.

ClinVar aggregate classification (germline): Uncertain significance (1 of 4 stars; one submission).

Allele frequency attached by ClinVar (database versions not stated): gnomAD exomes below 0.00001 and 0.00001; TOPMed below 0.00001; ExAC 0.00001; gnomAD 0.00001; 1000 Genomes Project 30x 0.00016; 1000 Genomes Project 0.00020.
gnomAD v4.1: 11 of 1,613,580 alleles (0.00068%); highest among the groups gnomAD compares: South Asian, 0.011%; 1 homozygote.

Submission:

Labcorp Genetics (formerly Invitae), Labcorp
Classification: Uncertain significance. Last evaluated: 2022-09-07. Review status: criteria provided, single submitter. Criteria: Invitae Variant Classification Sherloc (09022015). Collection method: clinical testing. Allele origin: germline.
Comment: In summary, the available evidence is currently insufficient to determine the role of this variant in disease. Therefore, it has been classified as a Variant of Uncertain Significance. Algorithms developed to predict the effect of missense changes on protein structure and function are either unavailable or do not agree on the potential impact of this missense change (SIFT: "Not Available"; PolyPhen-2: "Benign"; Align-GVGD: "Not Available"). ClinVar contains an entry for this variant (Variation ID: 1506658). This variant has not been reported in the literature in individuals affected with ADAMTS18-related conditions. This variant is present in population databases (rs560006721, gnomAD 0.003%). This sequence change replaces leucine, which is neutral and non-polar, with phenylalanine, which is neutral and non-polar, at codon 901 of the ADAMTS18 protein (p.Leu901Phe).